The following is an entry in ClinVar:

NM_181426.2(CCDC39):c.1229A>G (p.Gln410Arg)

Gene: CCDC39 (coiled-coil domain 39 molecular ruler complex subunit; minus strand). Cytogenetic location: 3q26.33.
Variant type: single nucleotide variant.
Coding change: c.1229A>G on transcript NM_181426.2 (MANE Select); coding-DNA position 1229, A replaced by G.
Protein change: p.Gln410Arg; replaces glutamine 410 with arginine.
Molecular consequence: missense variant.
Genome position (GRCh38, 1-based): chr3:180,648,298, T>C on the plus strand (A>G on the coding strand, the complement: CCDC39 is on the minus strand). VCF-style: chr3-180648298-T-C. GRCh37 (hg19) VCF-style: chr3-180366086-T-C.
Other names: short protein forms Q410R.
Identifiers: ClinVar variation 653112 (VCV000653112.11), dbSNP rs376852194, ClinGen allele CA2715986.

ClinVar aggregate classification (germline): Uncertain significance. Review status: criteria provided, multiple submitters, no conflicts (2 of 4 stars). 2 submissions from 2 submitters: Uncertain significance (2). Last evaluated 2025-08-06.

Conditions:
Primary ciliary dyskinesia. Also called: Ciliary dyskinesia. Identifiers: Orphanet 244, MedGen C0008780, MONDO:0016575, HP:0012265.

Allele frequency attached by ClinVar (database versions not stated): ExAC 0.00008; ESP Exome Variant Server 0.00008; gnomAD exomes 0.00009; 1000 Genomes Project 0.00020; TOPMed 0.00021; gnomAD 0.00011 and 0.00013; 1000 Genomes Project 30x 0.00016.
gnomAD v4.1: 108 of 1,611,888 alleles (0.0067%); highest among the groups gnomAD compares: Admixed American, 0.049%; no homozygotes.

Submissions (2):

Labcorp Genetics (formerly Invitae), Labcorp
Classification: Uncertain significance for Primary ciliary dyskinesia. Last evaluated: 2025-08-06. Review status: criteria provided, single submitter. Criteria: Invitae Variant Classification Sherloc (09022015). Collection method: clinical testing. Allele origin: germline.
Comment: This sequence change replaces glutamine, which is neutral and polar, with arginine, which is basic and polar, at codon 410 of the CCDC39 protein (p.Gln410Arg). This variant is present in population databases (rs376852194, gnomAD 0.03%). This variant has not been reported in the literature in individuals affected with CCDC39-related conditions. ClinVar contains an entry for this variant (Variation ID: 653112). An algorithm developed to predict the effect of missense changes on protein structure and function (PolyPhen-2) suggests that this variant is likely to be tolerated. In summary, the available evidence is currently insufficient to determine the role of this variant in disease. Therefore, it has been classified as a Variant of Uncertain Significance.

Blueprint Genetics
Classification: Uncertain significance. Last evaluated: 2024-05-06. Review status: criteria provided, single submitter. Criteria: ACMG Guidelines, 2015. Collection method: clinical testing. Allele origin: germline.